The following is an entry in ClinVar:

ClinVar aggregate classification (germline): Likely pathogenic (1 of 4 stars; one submission).

Conditions:
Hereditary cancer-predisposing syndrome. Also called: Hereditary Cancer Syndrome; Hereditary neoplastic syndrome; Neoplastic Syndromes, Hereditary; Tumor predisposition. Identifiers: Orphanet 140162, MedGen C0027672, MeSH D009386, MONDO:0015356.

Submissions (2):

Ambry Genetics
Classification: Likely pathogenic for Hereditary cancer-predisposing syndrome. Last evaluated: 2023-01-05. Review status: criteria provided, single submitter. Criteria: Ambry Variant Classification Scheme 2023. Collection method: clinical testing. Allele origin: germline.
Comment: The c.516G>T variant (also known as p.K172N), located in coding exon 5 of the BRCA2 gene, results from a G to T substitution at nucleotide position 516. The amino acid change results in lysine to asparagine at codon 172, an amino acid with similar properties. However, this change occurs in the last base pair of coding exon 5, which makes it likely to have some effect on normal mRNA splicing. In silico splice site analysis predicts that this alteration will weaken the native splice donor site; however, direct evidence is insufficient at this time (Ambry internal data). Another alteration impacting the same donor site (BRCA2 c.516G>A) has been shown to result in multiple out-of-frame aberrant transcripts (Hansen TV et al. Breast Cancer Res Treat, 2010 Feb;119:547-50). Based on the majority of available evidence to date, this variant is likely to be pathogenic.

Dr. Peter K. Rogan Lab, Western University
No classification provided (evidence only). Condition: Melanoma. Review status: no classification provided. Collection method: in vitro. Allele origin: not applicable. Functional consequence: retained intron. Not counted in ClinVar's aggregate classification.

Literature cited by the submitters: PubMed 19267246 (cited by Ambry Genetics).

NM_000059.4(BRCA2):c.516G>T (p.Lys172Asn)

Gene: BRCA2 (BRCA2 DNA repair associated; plus strand). Cytogenetic location: 13q13.1.
Variant type: single nucleotide variant.
Coding change: c.516G>T on transcript NM_000059.4 (MANE Select); coding-DNA position 516, G replaced by T.
Protein change: p.Lys172Asn; replaces lysine 172 with asparagine.
Molecular consequence: missense variant.
Genome position (GRCh38, 1-based): chr13:32,326,282, G>T. VCF-style: chr13-32326282-G-T. GRCh37 (hg19) VCF-style: chr13-32900419-G-T.
Other names: NC_000013.10:g.32900419G>T; short protein forms K172N.
Identifiers: ClinVar variation 441345 (VCV000441345.7), dbSNP rs80359790, ClinGen allele CA387757750.